The following is an entry in ClinVar:

ClinVar aggregate classification (germline): Benign/Likely benign. Review status: criteria provided, multiple submitters, no conflicts (2 of 4 stars). 2 submissions from 2 submitters: Benign (1); Likely benign (1). Last evaluated 2026-01-16.

Conditions:
Pontocerebellar hypoplasia type 1B. Also called: EXOSC3 Pontocerebellar Hypoplasia. Identifiers: Orphanet 2254, MedGen C3553449, MONDO:0013853, OMIM 614678.

Allele frequency attached by ClinVar (database versions not stated): gnomAD 0.00004; gnomAD exomes 0.00004 and 0.00011; TOPMed 0.00004; ExAC 0.00009.
gnomAD v4.1: 63 of 1,599,174 alleles (0.0039%); highest among the groups gnomAD compares: Non-Finnish European, 0.00068%; no homozygotes.

Submissions (2):

Labcorp Genetics (formerly Invitae), Labcorp
Classification: Benign for Pontocerebellar hypoplasia type 1B. Last evaluated: 2026-01-16. Review status: criteria provided, single submitter. Criteria: Invitae Variant Classification Sherloc (09022015). Collection method: clinical testing. Allele origin: germline.

Women's Health and Genetics/Laboratory Corporation of America, LabCorp
Classification: Likely benign. Last evaluated: 2022-02-22. Review status: criteria provided, single submitter. Criteria: LabCorp Variant Classification Summary - May 2015. Collection method: clinical testing. Allele origin: germline.
Comment: Variant summary: EXOSC3 c.294T>A alters a non-conserved nucleotide resulting in a synonymous change. 4/4 computational tools predict no significant impact on normal splicing. However, these predictions have yet to be confirmed by functional studies. The variant allele was found at a frequency of 0.00011 in 229078 control chromosomes. This frequency is not significantly higher than expected for a pathogenic variant in EXOSC3 causing Pontocerebellar Hypoplasia, Type 1B (0.00011 vs 0.0011), allowing no conclusion about variant significance. To our knowledge, no occurrence of c.294T>A in individuals affected with Pontocerebellar Hypoplasia, Type 1B and no experimental evidence demonstrating its impact on protein function have been reported. No clinical diagnostic laboratories have submitted clinical-significance assessments for this variant to ClinVar after 2014. Based on the evidence outlined above, the variant was classified as likely benign.

NM_016042.4(EXOSC3):c.294T>A (p.Gly98=)

Genes: EXOSC3 (exosome component 3; minus strand), LOC130001814 (ATAC-STARR-seq lymphoblastoid active region 28402; plus strand). Cytogenetic location: 9p13.2.
Variant type: single nucleotide variant.
Coding change: c.294T>A on transcript NM_016042.4 (MANE Select); coding-DNA position 294, T replaced by A.
Protein change: p.Gly98=; no amino-acid change (glycine 98 retained).
Molecular consequence: synonymous variant.
Genome position (GRCh38, 1-based): chr9:37,784,751, A>T on the plus strand (T>A on the coding strand, the complement: EXOSC3 is on the minus strand). VCF-style: chr9-37784751-A-T. GRCh37 (hg19) VCF-style: chr9-37784748-A-T.
Other names: c.294T>A, p.Gly98= (NM_001002269.2).
Identifiers: ClinVar variation 1343679 (VCV001343679.4), dbSNP rs910605187, ClinGen allele CA5062807.